The following is an entry in ClinVar:

NM_001267550.2(TTN):c.93981C>G (p.Val31327=)

Genes: TTN-AS1 (TTN antisense RNA 1; plus strand), TTN (titin; minus strand). Cytogenetic location: 2q31.2.
Variant type: single nucleotide variant.
Coding change: c.93981C>G on transcript NM_001267550.2 (MANE Select); coding-DNA position 93981, C replaced by G.
Protein change: p.Val31327=; no amino-acid change (valine 31327 retained).
Molecular consequence: synonymous variant.
Genome position (GRCh38, 1-based): chr2:178,547,645, G>C on the plus strand (C>G on the coding strand, the complement: TTN is on the minus strand). VCF-style: chr2-178547645-G-C. GRCh37 (hg19) VCF-style: chr2-179412372-G-C.
Other names: c.66786C>G, p.Val22262= (NM_003319.4); c.67161C>G, p.Val22387= (NM_133432.3); c.67362C>G, p.Val22454= (NM_133437.4); c.89058C>G, p.Val29686= (NM_001256850.1); c.86277C>G, p.Val28759= (NM_133378.4).
Identifiers: ClinVar variation 178168 (VCV000178168.37), dbSNP rs370894846, ClinGen allele CA181625.
Genomic context (GRCh38, chr2:178,547,645, plus strand): 5'-TTCAACTATGTAATTAGTAATTTCAGTGCCTCCTCCATCTTTAGGTTCTCCCCATGACAG[G>C]ACACACGATTCAGCTGAGACAGATGAGACCTCAATGGGGCCGGTTACTGGACCTGGCCTT-3'
Protein context (NP_001254479.2, residues 31317-31337): EVSSVSAESC[Val31327=]LSWGEPKDGG

ClinVar aggregate classification (germline): Conflicting classifications of pathogenicity. Review status: criteria provided, conflicting classifications (1 of 4 stars). 14 submissions from 14 submitters: Uncertain significance (1); Likely benign (8). 5 of the submissions do not count toward it. Last evaluated 2025-12-13.

Conditions:
Dilated cardiomyopathy 1G (CMD1G). Identifiers: Orphanet 154, MedGen C1858763, MONDO:0011400, OMIM 604145.
Autosomal recessive limb-girdle muscular dystrophy type 2J (LGMDR10). Also called: Limb-girdle muscular dystrophy, type 2J; MUSCULAR DYSTROPHY, LIMB-GIRDLE, AUTOSOMAL RECESSIVE 10. Identifiers: Orphanet 140922, MedGen C1837342, MONDO:0012127, OMIM 608807.
Cardiovascular phenotype. Identifiers: MedGen CN230736.
TTN-related disorder. Also called: TTN-related condition; TTN-related disease; TTN-related disorders.
Cardiomyopathy (CMYO). Also called: Cardiomyopathies. Identifiers: Orphanet 167848, MedGen C0878544, MONDO:0004994, HP:0001638. Inheritance: Various modes of inheritance.

Allele frequency attached by ClinVar (database versions not stated): ExAC 0.00005; gnomAD exomes 0.00006; gnomAD 0.00010; ESP Exome Variant Server 0.00016; TOPMed 0.00018.
gnomAD v4.1: 234 of 1,613,706 alleles (0.015%); highest among the groups gnomAD compares: Non-Finnish European, 0.019%; no homozygotes.

Submissions (14):

Labcorp Genetics (formerly Invitae), Labcorp
Classification: Likely benign for Dilated cardiomyopathy 1G; Autosomal recessive limb-girdle muscular dystrophy type 2J. Last evaluated: 2025-12-13. Review status: criteria provided, single submitter. Criteria: Invitae Variant Classification Sherloc (09022015). Collection method: clinical testing. Allele origin: germline.

PreventionGenetics, part of Exact Sciences
Classification: Likely benign for TTN-related condition. Last evaluated: 2025-07-30. Review status: criteria provided, single submitter. Criteria: ACMG Guidelines, 2015. Collection method: clinical testing. Allele origin: germline.
Comment: This variant is classified as likely benign based on ACMG/AMP sequence variant interpretation guidelines (Richards et al. 2015 PMID: 25741868, with internal and published modifications).

Women's Health and Genetics/Laboratory Corporation of America, LabCorp
Classification: Likely benign. Last evaluated: 2025-06-16. Review status: criteria provided, single submitter. Criteria: LabCorp Variant Classification Summary - May 2015. Collection method: clinical testing. Allele origin: germline.

Revvity Omics, Revvity
Classification: Likely benign. Last evaluated: 2025-01-28. Review status: criteria provided, single submitter. Criteria: ACMG Guidelines, 2015. Collection method: clinical testing. Allele origin: germline.

GeneDx
Classification: Likely benign. Last evaluated: 2021-01-29. Review status: criteria provided, single submitter. Criteria: GeneDx Variant Classification Process June 2021. Collection method: clinical testing. Allele origin: germline. Affected: yes.

Ambry Genetics
Classification: Likely benign for Cardiovascular phenotype. Last evaluated: 2020-12-08. Review status: criteria provided, single submitter. Criteria: Ambry Variant Classification Scheme 2023. Collection method: clinical testing. Allele origin: germline.

Eurofins Ntd Llc (ga)
Classification: Uncertain significance. Last evaluated: 2017-02-07. Review status: criteria provided, single submitter. Criteria: EGL Classification Definitions 2015. Collection method: clinical testing. Allele origin: germline. Observed: 1 variant allele, 1 heterozygote.

CHEO Genetics Diagnostic Laboratory, Children's Hospital of Eastern Ontario
Classification: Likely benign for Cardiomyopathy. Last evaluated: 2016-04-22. Review status: criteria provided, single submitter. Criteria: ACMG Guidelines, 2015. Collection method: clinical testing. Allele origin: germline. Study: Canadian Open Genetics Repository.

Laboratory for Molecular Medicine, Mass General Brigham Personalized Medicine
Classification: Likely benign. Last evaluated: 2012-03-19. Review status: criteria provided, single submitter. Criteria: LMM Criteria. Collection method: clinical testing. Allele origin: germline. Observed: 1 variant allele.
Comment: Val28759Val in exon 288 of TTN: This variant is not expected to have clinical si gnificance because it does not alter an amino acid residue and is not located wi thin the splice consensus sequence. It has been identified in 2/6696 European Am erican chromosomes from a broad population by the NHLBI Exome Sequencing Project.

Clinical Genetics DNA and cytogenetics Diagnostics Lab, Erasmus MC, Erasmus Medical Center
Classification: Likely benign. Review status: no assertion criteria provided. Collection method: clinical testing. Allele origin: germline. Affected: yes. Study: VKGL Data-share Consensus. Not counted in ClinVar's aggregate classification.

Clinical Genetics, Academic Medical Center
Classification: Benign. Review status: no assertion criteria provided. Collection method: clinical testing. Allele origin: germline. Affected: yes. Study: VKGL Data-share Consensus. Not counted in ClinVar's aggregate classification.

Diagnostic Laboratory, Department of Genetics, University Medical Center Groningen
Classification: Likely benign. Review status: no assertion criteria provided. Collection method: clinical testing. Allele origin: germline. Affected: yes. Study: VKGL Data-share Consensus. Not counted in ClinVar's aggregate classification.

Genome Diagnostics Laboratory, University Medical Center Utrecht
Classification: Likely benign. Review status: no assertion criteria provided. Collection method: clinical testing. Allele origin: germline. Affected: yes. Study: VKGL Data-share Consensus. Not counted in ClinVar's aggregate classification.

Joint Genome Diagnostic Labs from Nijmegen and Maastricht, Radboudumc and MUMC+
Classification: Likely benign. Review status: no assertion criteria provided. Collection method: clinical testing. Allele origin: germline. Affected: yes. Study: VKGL Data-share Consensus. Not counted in ClinVar's aggregate classification.